The following is an entry in ClinVar:

NM_001378418.1(TCF20):c.3811C>T (p.Gln1271Ter)

Gene: TCF20 (transcription factor 20; minus strand). Cytogenetic location: 22q13.2.
Variant type: single nucleotide variant.
Coding change: c.3811C>T on transcript NM_001378418.1 (MANE Select); coding-DNA position 3811, C replaced by T.
Protein change: p.Gln1271Ter; replaces glutamine 1271 with a stop codon.
Molecular consequence: nonsense.
Genome position (GRCh38, 1-based): chr22:42,211,495, G>A on the plus strand (C>T on the coding strand, the complement: TCF20 is on the minus strand). VCF-style: chr22-42211495-G-A. GRCh37 (hg19) VCF-style: chr22-42607501-G-A.
Other names: c.3811C>T, p.Gln1271Ter (NM_005650.4, NM_181492.3); short protein forms Q1271*.
Identifiers: ClinVar variation 3341310 (VCV003341310.1).

ClinVar aggregate classification (germline): Likely pathogenic (1 of 4 stars; one submission).

Conditions:
Developmental delay with variable intellectual impairment and behavioral abnormalities. Identifiers: MedGen C5193092, MONDO:0032745, OMIM 618430.

Submission:

Neuberg Centre For Genomic Medicine, NCGM
Classification: Likely pathogenic for Developmental delay with variable intellectual impairment and behavioral abnormalities. Last evaluated: 2023-05-20. Review status: criteria provided, single submitter. Criteria: ACMG Guidelines, 2015. Collection method: clinical testing. Allele origin: germline. Inheritance: Autosomal dominant inheritance. Affected: yes.
Comment: The observed stop gained variant c.3811C>T(p.Gln1271Ter) in TCF20 gene has not been reported previously as a pathogenic variant nor as a benign variant, to our knowledge. The c.3811C>T variant is absent in gnomAD Exomes. Computational evidence (Mutation Taster - Disease causing) predicts damaging effect on protein structure and function for this variant.This variant is predicted to cause loss of normal protein function through protein truncation. Loss of function variants have been previously reported to be disease causing (Torti et al., 2019). For these reasons, this variant has been classified as Likely Pathogenic.